The following is an entry in ClinVar:

ClinVar aggregate classification (germline): Benign/Likely benign. Review status: criteria provided, multiple submitters, no conflicts (2 of 4 stars). 3 submissions from 3 submitters: Benign (1); Likely benign (2). Last evaluated 2024-07-08.

Conditions:
Hereditary cancer-predisposing syndrome. Also called: Hereditary Cancer Syndrome; Hereditary neoplastic syndrome; Tumor predisposition; Neoplastic Syndromes, Hereditary. Identifiers: Orphanet 140162, MedGen C0027672, MeSH D009386, MONDO:0015356.
Oligodontia-cancer predisposition syndrome. Also called: TOOTH AGENESIS-COLORECTAL CANCER SYNDROME. Identifiers: Orphanet 300576, MedGen C1837750, MONDO:0012075, OMIM 608615. Disease mechanism: loss of function.

Allele frequency attached by ClinVar (database versions not stated): gnomAD exomes below 0.00001.
gnomAD v4.1: 2 of 1,613,446 alleles (0.00012%); highest among the groups gnomAD compares: Non-Finnish European, 0.00017%; no homozygotes.

Submissions (3):

Myriad Genetics, Inc.
Classification: Benign for Oligodontia-cancer predisposition syndrome. Last evaluated: 2024-07-08. Review status: criteria provided, single submitter. Criteria: Myriad Autosomal Dominant, Autosomal Recessive and X-Linked Classification Criteria (2023). Collection method: clinical testing. Allele origin: unknown.
Comment: This variant is considered benign. This variant is a silent/synonymous amino acid change and it is not expected to impact splicing.

Labcorp Genetics (formerly Invitae), Labcorp
Classification: Likely benign for Oligodontia-cancer predisposition syndrome. Last evaluated: 2024-02-20. Review status: criteria provided, single submitter. Criteria: Invitae Variant Classification Sherloc (09022015). Collection method: clinical testing. Allele origin: germline.

Ambry Genetics
Classification: Likely benign for Hereditary cancer-predisposing syndrome. Last evaluated: 2019-08-03. Review status: criteria provided, single submitter. Criteria: Ambry Variant Classification Scheme 2023. Collection method: clinical testing. Allele origin: germline.

NM_004655.4(AXIN2):c.1884G>A (p.Arg628=)

Gene: AXIN2 (axin 2; minus strand). Cytogenetic location: 17q24.1.
Variant type: single nucleotide variant.
Coding change: c.1884G>A on transcript NM_004655.4 (MANE Select); coding-DNA position 1884, G replaced by A.
Protein change: p.Arg628=; no amino-acid change (arginine 628 retained).
Molecular consequence: synonymous variant. On other transcripts: intron variant (1).
Genome position (GRCh38, 1-based): chr17:65,536,892, C>T on the plus strand (G>A on the coding strand, the complement: AXIN2 is on the minus strand). VCF-style: chr17-65536892-C-T. GRCh37 (hg19) VCF-style: chr17-63533010-C-T.
Other names: c.1713-339G>A (NM_001363813.1).
Identifiers: ClinVar variation 1080014 (VCV001080014.12), dbSNP rs1307368931, ClinGen allele CA501691054.